The following is an entry in ClinVar:

NM_024675.4(PALB2):c.212-14T>A

Gene: PALB2 (partner and localizer of BRCA2; minus strand). Cytogenetic location: 16p12.2.
Variant type: single nucleotide variant.
Coding change: c.212-14T>A on transcript NM_024675.4 (MANE Select); 14 bases into the intron before coding-DNA position 212, T replaced by A.
Molecular consequence: intron variant.
Genome position (GRCh38, 1-based): chr16:23,636,348, A>T on the plus strand (T>A on the coding strand, the complement: PALB2 is on the minus strand). VCF-style: chr16-23636348-A-T. GRCh37 (hg19) VCF-style: chr16-23647669-A-T.
Other names: c.-674-14T>A (NM_001407308.1, NM_001407306.1, NM_001407307.1 and 5 more transcripts); c.48+4762T>A (NM_001407314.1); c.-105+4762T>A (NM_001407313.1, NM_001407312.1); c.152-14T>A (NM_001407296.1); c.212-14T>A (NM_001407297.1, NM_001407302.1, NM_001407298.1 and 3 more transcripts).
Identifiers: ClinVar variation 3903727 (VCV003903727.1).
Genomic context (GRCh38, chr16:23,636,348, plus strand): 5'-GGTTTTGATGTGTAACTTGTCATAAACACATATTTTATTTTTAGGTTCTGAGGAGGAAAA[A>T]AATGTATATAACTTATATTTTTCTTATAAAATAAAACAAAAAATACTCATTTTTAACCTA-3'

ClinVar aggregate classification (germline): Likely benign (1 of 4 stars; one submission).

Conditions:
Familial cancer of breast. Also called: Hereditary breast cancer; hereditary breast carcinoma; BREAST CANCER, FAMILIAL. Identifiers: Orphanet 227535, MedGen C0346153, MONDO:0016419, OMIM 114480. Disease mechanism: loss of function.

Submission:

Myriad Genetics, Inc.
Classification: Likely benign for Familial cancer of breast. Last evaluated: 2025-01-10. Review status: criteria provided, single submitter. Criteria: Myriad Autosomal Dominant, Autosomal Recessive and X-Linked Classification Criteria (2023). Collection method: clinical testing. Allele origin: unknown.
Comment: This variant is considered likely benign. This variant is intronic and is not expected to impact mRNA splicing.